The following is an entry in ClinVar:

ClinVar aggregate classification (germline): Likely pathogenic. Review status: criteria provided, single submitter (1 of 4 stars). 2 submissions from 2 submitters: Likely pathogenic (1). 1 of the submissions does not count toward it. Last evaluated 2026-03-16.

Conditions:
Glycogen storage disease type III (GSD3). Also called: FORBES DISEASE; Cori disease. Identifiers: Orphanet 366, MedGen C0017922, MONDO:0009291, OMIM 232400.

Submissions (2):

Department of Basic Medical Sciences, College of Medicine, Taibah University
Classification: Likely pathogenic for Glycogen storage disease type III. Last evaluated: 2026-03-16. Review status: criteria provided, single submitter. Criteria: ACMG Guidelines, 2015. Collection method: research. Allele origin: germline. Inheritance: Autosomal recessive inheritance. Affected: yes. Clinical features observed: Hepatomegaly (HP:0002240), Recurrent hypoglycemia (HP:0001988), Hyperlipidemia (HP:0003077).
Comment: The c.113C>G variant in the AGL gene results in a missense change at the protein level (p.Thr38Ser). This variant is absent from population databases (gnomAD), supporting its rarity. It has been identified in two individuals with clinical features consistent with glycogen storage disease type III.

Biochemical Molecular Genetic Laboratory, King Abdulaziz Medical City
Classification: Uncertain significance for Glycogen storage disease type III. Last evaluated: 2018-07-24. Review status: no assertion criteria provided. Collection method: clinical testing. Allele origin: germline. Affected: yes. Not counted in ClinVar's aggregate classification.

Literature cited by the submitters: PubMed 38592052 (cited by Department of Basic Medical Sciences, College of Medicine, Taibah University).

NM_000642.3(AGL):c.113C>G (p.Thr38Ser)

Gene: AGL (amylo-alpha-1,6-glucosidase and 4-alpha-glucanotransferase; plus strand). Cytogenetic location: 1p21.2.
Variant type: single nucleotide variant.
Coding change: c.113C>G on transcript NM_000642.3 (MANE Select); coding-DNA position 113, C replaced by G.
Protein change: p.Thr38Ser; replaces threonine 38 with serine.
Molecular consequence: missense variant.
Genome position (GRCh38, 1-based): chr1:99,861,533, C>G. VCF-style: chr1-99861533-C-G. GRCh37 (hg19) VCF-style: chr1-100327089-C-G.
Other names: c.113C>G, p.Thr38Ser (NM_000028.3, NM_000643.3, NM_000644.3 and 5 more transcripts); c.65C>G, p.Thr22Ser (NM_000646.3); short protein forms T38S, T22S.
Identifiers: ClinVar variation 592136 (VCV000592136.2), dbSNP rs1557746521, ClinGen allele CA341329065.